The following is an entry in ClinVar:

ClinVar aggregate classification (germline): Conflicting classifications of pathogenicity. Review status: criteria provided, conflicting classifications (1 of 4 stars). 6 submissions from 3 submitters: Uncertain significance (5); Likely benign (1). Last evaluated 2025-10-07.

Conditions:
Neurofibromatosis, familial spinal (FSNF). Identifiers: Orphanet 636, MedGen C1834235, MONDO:0008078, OMIM 162210. Disease mechanism: loss of function.
Neurofibromatosis-Noonan syndrome (NFNS). Also called: NEUROFIBROMATOSIS WITH NOONAN PHENOTYPE. Identifiers: Orphanet 638, MedGen C2931482, MONDO:0011035, OMIM 601321. Disease mechanism: loss of function.
Café-au-lait macules with pulmonary stenosis (WTSN). Also called: PULMONIC STENOSIS WITH CAFE-AU-LAIT SPOTS. Identifiers: MedGen C0553586, MONDO:0008672, OMIM 193520.
Neurofibromatosis, type 1 (NF1). Also called: VON RECKLINGHAUSEN DISEASE; NEUROFIBROMATOSIS, TYPE I, SOMATIC; Neurofibromatosis, type I; Peripheral type neurofibromatosis. Identifiers: Orphanet 636, MedGen C0027831, MONDO:0018975, OMIM 162200. Disease mechanism: loss of function.

Allele frequency attached by ClinVar (database versions not stated): TOPMed below 0.00001; gnomAD exomes 0.00001.
gnomAD v4.1: 8 of 1,613,322 alleles (0.0005%); highest among the groups gnomAD compares: Non-Finnish European, 0.00068%; no homozygotes.

Submissions (6):

Labcorp Genetics (formerly Invitae), Labcorp
Classification: Likely benign for Neurofibromatosis, type 1. Last evaluated: 2025-10-07. Review status: criteria provided, single submitter. Criteria: Invitae Variant Classification Sherloc (09022015). Collection method: clinical testing. Allele origin: germline.

GeneDx
Classification: Uncertain significance. Last evaluated: 2025-07-21. Review status: criteria provided, single submitter. Criteria: GeneDx Variant Classification Process June 2021. Collection method: clinical testing. Allele origin: germline. Affected: yes.
Comment: Not observed at significant frequency in large population cohorts (gnomAD); In silico analysis suggests that this variant does not alter splicing; Has not been previously published as pathogenic or benign to our knowledge

Illumina Laboratory Services, Illumina
Classification: Uncertain significance for Neurofibromatosis, familial spinal. Last evaluated: 2018-01-13. Review status: criteria provided, single submitter. Criteria: ICSL Variant Classification Criteria 13 December 2019. Collection method: clinical testing. Allele origin: germline.

Illumina Laboratory Services, Illumina
Classification: Uncertain significance for Neurofibromatosis-Noonan syndrome. Last evaluated: 2018-01-13. Review status: criteria provided, single submitter. Criteria: ICSL Variant Classification Criteria 13 December 2019. Collection method: clinical testing. Allele origin: germline.

Illumina Laboratory Services, Illumina
Classification: Uncertain significance for Café-au-lait macules with pulmonary stenosis. Last evaluated: 2018-01-13. Review status: criteria provided, single submitter. Criteria: ICSL Variant Classification Criteria 13 December 2019. Collection method: clinical testing. Allele origin: germline.

Illumina Laboratory Services, Illumina
Classification: Uncertain significance for Neurofibromatosis, type 1. Last evaluated: 2018-01-13. Review status: criteria provided, single submitter. Criteria: ICSL Variant Classification Criteria 13 December 2019. Collection method: clinical testing. Allele origin: germline.

NM_001042492.3(NF1):c.1846-8T>A

Gene: NF1 (neurofibromin 1; plus strand). Cytogenetic location: 17q11.2.
Variant type: single nucleotide variant.
Coding change: c.1846-8T>A on transcript NM_001042492.3 (MANE Select); 8 bases into the intron before coding-DNA position 1846, T replaced by A.
Molecular consequence: intron variant.
Genome position (GRCh38, 1-based): chr17:31,225,087, T>A. VCF-style: chr17-31225087-T-A. GRCh37 (hg19) VCF-style: chr17-29552105-T-A.
Other names: c.1846-8T>A (NM_000267.4).
Identifiers: ClinVar variation 322571 (VCV000322571.14), dbSNP rs886052799, ClinGen allele CA10648992.
Genomic context (GRCh38, chr17:31,225,087, plus strand): 5'-TCAAATAAGTGTTTATTCCTCTTGGTTGTCAGTGCTTCAGTAAAGCTTATTTATTTATTT[T>A]TTTCTAGCAGGCAGATAGAAGTTCCTGTCACTTTCTCCTTTTTTACGGGGTAGGATGTGA-3'